The following is an entry in ClinVar:

ClinVar aggregate classification (germline): Likely pathogenic. Review status: criteria provided, single submitter (1 of 4 stars). 2 submissions from 2 submitters: Likely pathogenic (1). 1 of the submissions does not count toward it. Last evaluated 2026-01-26.

Conditions:
Familial thoracic aortic aneurysm and aortic dissection (TAAD). Also called: Thoracic aortic aneurysms and dissections. Identifiers: Orphanet 91387, MedGen C4707243, MONDO:0019625.
Ehlers-Danlos syndrome, type 4 (EDSVASC). Also called: Ehlers-Danlos syndrome vascular type; Ehlers Danlos syndrome, ecchymotic type; Ehlers Danlos syndrome, arterial type; Ehlers Danlos syndrome, Sack-Barabas type; Ehlers-Danlos Syndrome Type IV. Identifiers: Orphanet 286, MedGen C0268338, MONDO:0017314, OMIM 130050.

Submissions (2):

Ambry Genetics
Classification: Likely pathogenic for Familial thoracic aortic aneurysm and aortic dissection. Last evaluated: 2026-01-26. Review status: criteria provided, single submitter. Criteria: Ambry Variant Classification Scheme 2023. Collection method: clinical testing. Allele origin: germline.
Comment: The p.G252R variant (also known as c.754G>C), located in coding exon 10 of the COL3A1 gene, results from a G to C substitution at nucleotide position 754. The glycine at codon 252 is replaced by arginine, an amino acid with dissimilar properties. This variant was reported in individual(s) with features consistent with COL3A1-related Ehlers-Danlos syndrome (Pepin M et al. N Engl J Med, 2000 Mar;342:673-80). Note, this variant is also referred to as p.G85R in the literature. Internal structural analysis indicates that this alteration disrupts the characteristic G-X-Y motif in theCOL3A1protein and inserts a bulky side chain into asterically-constrainedregion (Bella J et al.Science.1994;266:75-81;HohenesterE et al.Proc. Natl.Acad. Sci. U.S.A.2008;105:18273-7; Ambry internal data). This amino acid position is highly conserved in available vertebrate species. In addition, this alteration is predicted to be deleterious by in silico analysis. This variant is considered to be rare based on population cohorts in the Genome Aggregation Database (gnomAD). Based on the majority of available evidence to date, this variant is likely to be pathogenic.

Collagen Diagnostic Laboratory, University of Washington
Classification: Pathogenic for Ehlers-Danlos syndrome, type 4. Review status: no assertion criteria provided. Collection method: clinical testing. Allele origin: germline. Affected: yes. Not counted in ClinVar's aggregate classification.

Literature cited by the submitters: PubMed 10706896 (cited by Ambry Genetics and Collagen Diagnostic Laboratory, University of Washington); PubMed 18043893 (cited by Collagen Diagnostic Laboratory, University of Washington).

NM_000090.4(COL3A1):c.754G>C (p.Gly252Arg)

Gene: COL3A1 (collagen type III alpha 1 chain; plus strand). Cytogenetic location: 2q32.2.
Variant type: single nucleotide variant.
Coding change: c.754G>C on transcript NM_000090.4 (MANE Select); coding-DNA position 754, G replaced by C.
Protein change: p.Gly252Arg; replaces glycine 252 with arginine.
Molecular consequence: missense variant.
Genome position (GRCh38, 1-based): chr2:188,990,316, G>C. VCF-style: chr2-188990316-G-C. GRCh37 (hg19) VCF-style: chr2-189855042-G-C.
Identifiers: ClinVar variation 101470 (VCV000101470.3), dbSNP rs587779705, ClinGen allele CA007365.